The following is an entry in ClinVar:

NM_005235.3(ERBB4):c.1392C>G (p.Ser464Arg)

Gene: ERBB4 (erb-b2 receptor tyrosine kinase 4; minus strand). Cytogenetic location: 2q34.
Variant type: single nucleotide variant.
Coding change: c.1392C>G on transcript NM_005235.3 (MANE Select); coding-DNA position 1392, C replaced by G.
Protein change: p.Ser464Arg; replaces serine 464 with arginine.
Molecular consequence: missense variant.
Genome position (GRCh38, 1-based): chr2:211,702,064, G>C on the plus strand (C>G on the coding strand, the complement: ERBB4 is on the minus strand). VCF-style: chr2-211702064-G-C. GRCh37 (hg19) VCF-style: chr2-212566789-G-C.
Other names: c.1392C>G, p.Ser464Arg (NM_001042599.2); short protein forms S464R.
Identifiers: ClinVar variation 1966886 (VCV001966886.6), dbSNP rs1436708940, ClinGen allele CA350442378.

ClinVar aggregate classification (germline): Uncertain significance. Review status: criteria provided, multiple submitters, no conflicts (2 of 4 stars). 2 submissions from 2 submitters: Uncertain significance (2). Last evaluated 2023-08-14.

Conditions:
ERBB4-related disorder. Also called: ERBB4-related condition.

Allele frequency attached by ClinVar (database versions not stated): gnomAD exomes below 0.00001; gnomAD 0.00001.
gnomAD v4.1: 4 of 1,613,188 alleles (0.00025%); highest among the groups gnomAD compares: Non-Finnish European, 0.00034%; no homozygotes.

Submissions (2):

PreventionGenetics, part of Exact Sciences
Classification: Uncertain significance for ERBB4-related condition. Last evaluated: 2023-08-14. Review status: criteria provided, single submitter. Criteria: ACMG Guidelines, 2015. Collection method: clinical testing. Allele origin: germline.
Comment: The ERBB4 c.1392C>G variant is predicted to result in the amino acid substitution p.Ser464Arg. To our knowledge, this variant has not been reported in the literature. This variant is reported in 0.0031% of alleles in individuals of European (Non-Finnish) descent in gnomAD. At this time, the clinical significance of this variant is uncertain due to the absence of conclusive functional and genetic evidence.

Labcorp Genetics (formerly Invitae), Labcorp
Classification: Uncertain significance. Last evaluated: 2022-03-14. Review status: criteria provided, single submitter. Criteria: Invitae Variant Classification Sherloc (09022015). Collection method: clinical testing. Allele origin: germline.
Comment: In summary, the available evidence is currently insufficient to determine the role of this variant in disease. Therefore, it has been classified as a Variant of Uncertain Significance. Algorithms developed to predict the effect of missense changes on protein structure and function (SIFT, PolyPhen-2, Align-GVGD) all suggest that this variant is likely to be tolerated. This variant has not been reported in the literature in individuals affected with ERBB4-related conditions. This variant is present in population databases (no rsID available, gnomAD 0.003%). This sequence change replaces serine, which is neutral and polar, with arginine, which is basic and polar, at codon 464 of the ERBB4 protein (p.Ser464Arg).